The following is an entry in ClinVar:

ClinVar aggregate classification (germline): Uncertain significance. Review status: criteria provided, multiple submitters, no conflicts (2 of 4 stars). 2 submissions from 2 submitters: Uncertain significance (2). Last evaluated 2022-06-20.

Allele frequency attached by ClinVar (database versions not stated): gnomAD 0.00001; TOPMed 0.00001.
gnomAD v4.1: 5 of 1,532,004 alleles (0.00033%); highest among the groups gnomAD compares: Admixed American, 0.0059%; no homozygotes.

Submissions (2):

GeneDx
Classification: Uncertain significance. Last evaluated: 2022-06-20. Review status: criteria provided, single submitter. Criteria: GeneDx Variant Classification Process June 2021. Collection method: clinical testing. Allele origin: germline. Affected: yes.
Comment: Not observed at significant frequency in large population cohorts (gnomAD); In silico analysis supports that this missense variant does not alter protein structure/function; Has not been previously published as pathogenic or benign to our knowledge

Labcorp Genetics (formerly Invitae), Labcorp
Classification: Uncertain significance. Last evaluated: 2021-05-01. Review status: criteria provided, single submitter. Criteria: Invitae Variant Classification Sherloc (09022015). Collection method: clinical testing. Allele origin: germline.
Comment: This sequence change replaces serine with leucine at codon 119 of the GDF1 protein (p.Ser119Leu). The serine residue is weakly conserved and there is a large physicochemical difference between serine and leucine. In summary, the available evidence is currently insufficient to determine the role of this variant in disease. Therefore, it has been classified as a Variant of Uncertain Significance. Algorithms developed to predict the effect of missense changes on protein structure and function (SIFT, PolyPhen-2, Align-GVGD) all suggest that this variant is likely to be tolerated, but these predictions have not been confirmed by published functional studies and their clinical significance is uncertain. This variant has not been reported in the literature in individuals with GDF1-related conditions. The frequency data for this variant in the population databases is considered unreliable, as metrics indicate insufficient coverage at this position in the ExAC database.

NM_001492.6(GDF1):c.356C>T (p.Ser119Leu)

Genes: GDF1 (growth differentiation factor 1; minus strand), CERS1 (ceramide synthase 1; minus strand). Cytogenetic location: 19p13.11.
Variant type: single nucleotide variant.
Coding change: c.356C>T on transcript NM_001492.6 (MANE Select); coding-DNA position 356, C replaced by T.
Protein change: p.Ser119Leu; replaces serine 119 with leucine.
Molecular consequence: missense variant. On other transcripts: 3 prime UTR variant (2).
Genome position (GRCh38, 1-based): chr19:18,869,360, G>A on the plus strand (C>T on the coding strand, the complement: GDF1 is on the minus strand). VCF-style: chr19-18869360-G-A. GRCh37 (hg19) VCF-style: chr19-18980169-G-A.
Other names: c.*1217C>T (NM_001387440.1); c.*625C>T (NM_021267.5); c.356C>T, p.Ser119Leu (NM_001387438.1); short protein forms S119L.
Identifiers: ClinVar variation 1432940 (VCV001432940.47), dbSNP rs1402976664, ClinGen allele CA404863435.